The following is an entry in ClinVar:

ClinVar aggregate classification (germline): Uncertain significance (1 of 4 stars; one submission).

gnomAD v4.1: 1 of 1,565,420 alleles (0.000064%); highest among the groups gnomAD compares: Non-Finnish European, 0.000087%; no homozygotes.

Submission:

Greenwood Genetic Center Diagnostic Laboratories, Greenwood Genetic Center
Classification: Uncertain significance. Last evaluated: 2025-05-06. Review status: criteria provided, single submitter. Criteria: ACMG Guidelines, 2015. Collection method: clinical testing. Allele origin: germline. Affected: yes.
Comment: PM2, PP2, PP3

NM_080680.3(COL11A2):c.2432G>A (p.Gly811Glu)

Gene: COL11A2 (collagen type XI alpha 2 chain; minus strand). Cytogenetic location: 6p21.32.
Variant type: single nucleotide variant.
Coding change: c.2432G>A on transcript NM_080680.3 (MANE Select); coding-DNA position 2432, G replaced by A.
Protein change: p.Gly811Glu; replaces glycine 811 with glutamic acid.
Molecular consequence: missense variant.
Genome position (GRCh38, 1-based): chr6:33,174,217, C>T on the plus strand (G>A on the coding strand, the complement: COL11A2 is on the minus strand). VCF-style: chr6-33174217-C-T. GRCh37 (hg19) VCF-style: chr6-33141994-C-T.
Other names: c.2252G>A, p.Gly751Glu (NM_001424108.1); c.1586G>A, p.Gly529Glu (NM_001424109.1); c.1406G>A, p.Gly469Glu (NM_001424110.1, NM_001424111.1); c.386G>A, p.Gly129Glu (NM_001424112.1); c.2111G>A, p.Gly704Glu (NM_080679.3); c.2174G>A, p.Gly725Glu (NM_080681.3); short protein forms G129E, G469E, G529E, G704E, G725E, G751E, G811E.
Identifiers: ClinVar variation 4538213 (VCV004538213.1).
Genomic context (GRCh38, chr6:33,174,217, plus strand): 5'-CAGCTTACCCGGGCTCCCTTCTCTCCACTGGCACCAGGAAAGCCAGGAAATCCTAGGGAC[C>T]CCTGGTGAGAACGGAGAAGGGGGGAAATTGAGAAGTTATGAAAGGTAGGGTTCAGGAAGG-3'
Protein context (NP_542411.2, residues 801-821): PGYPGRQGPK[Gly811Glu]SLGFPGFPGA